The following is an entry in ClinVar:

ClinVar aggregate classification (germline): Uncertain significance (1 of 4 stars; one submission).

Allele frequency attached by ClinVar (database versions not stated): gnomAD exomes below 0.00001; TOPMed below 0.00001; gnomAD 0.00001.
gnomAD v4.1: 3 of 1,613,650 alleles (0.00019%); highest among the groups gnomAD compares: African/African-American, 0.0013%; no homozygotes.

Submission:

Labcorp Genetics (formerly Invitae), Labcorp
Classification: Uncertain significance. Last evaluated: 2023-09-22. Review status: criteria provided, single submitter. Criteria: Invitae Variant Classification Sherloc (09022015). Collection method: clinical testing. Allele origin: germline.
Comment: This sequence change creates a premature translational stop signal (p.Arg963*) in the CYFIP2 gene. It is expected to result in an absent or disrupted protein product. However, the current clinical and genetic evidence is not sufficient to establish whether loss-of-function variants in CYFIP2 cause disease. This variant is not present in population databases (gnomAD no frequency). This variant has not been reported in the literature in individuals affected with CYFIP2-related conditions. Algorithms developed to predict the effect of sequence changes on RNA splicing suggest that this variant may disrupt the consensus splice site. In summary, the available evidence is currently insufficient to determine the role of this variant in disease. Therefore, it has been classified as a Variant of Uncertain Significance.

NM_001037333.3(CYFIP2):c.2887C>T (p.Arg963Ter)

Gene: CYFIP2 (cytoplasmic FMR1 interacting protein 2; plus strand). Cytogenetic location: 5q33.3.
Variant type: single nucleotide variant.
Coding change: c.2887C>T on transcript NM_001037333.3 (MANE Select); coding-DNA position 2887, C replaced by T.
Protein change: p.Arg963Ter; replaces arginine 963 with a stop codon.
Molecular consequence: nonsense.
Genome position (GRCh38, 1-based): chr5:157,360,351, C>T. VCF-style: chr5-157360351-C-T. GRCh37 (hg19) VCF-style: chr5-156787359-C-T.
Other names: c.2809C>T, p.Arg937Ter (NM_001291721.2); c.2962C>T, p.Arg988Ter (NM_001291722.2); c.2887C>T, p.Arg963Ter (NM_014376.4); short protein forms R963*, R988*, R937*.
Identifiers: ClinVar variation 2711338 (VCV002711338.3), dbSNP rs1337845533, ClinGen allele CA361977435.
Genomic context (GRCh38, chr5:157,360,351, plus strand): 5'-ACCATTCTCCAGTATGTGAAAACACTGATAGAGGTGATGCCCAAGATATGCCGCTTGCCC[C>T]GACATGAGTATGGCTCCCCAGGTTGGTGATAGCAAAACAATCCAGACCCCTCCCATGGTG-3'